The following is an entry in ClinVar:

ClinVar aggregate classification (germline): Uncertain significance (1 of 4 stars; one submission).

Conditions:
Inborn genetic diseases. Identifiers: MedGen C0950123, MeSH D030342.

Submission:

Ambry Genetics
Classification: Uncertain significance for Inborn genetic diseases. Last evaluated: 2024-10-31. Review status: criteria provided, single submitter. Criteria: Ambry Variant Classification Scheme 2023. Collection method: clinical testing. Allele origin: germline.
Comment: The p.P431A variant (also known as c.1291C>G), located in coding exon 13 of the ERCC2 gene, results from a C to G substitution at nucleotide position 1291. The proline at codon 431 is replaced by alanine, an amino acid with highly similar properties. This amino acid position is conserved. In addition, this alteration is predicted to be deleterious by in silico analysis. Since supporting evidence is limited at this time, the clinical significance of this alteration remains unclear.

NM_000400.4(ERCC2):c.1291C>G (p.Pro431Ala)

Gene: ERCC2 (ERCC excision repair 2, TFIIH core complex helicase subunit; minus strand). Cytogenetic location: 19q13.32.
Variant type: single nucleotide variant.
Coding change: c.1291C>G on transcript NM_000400.4 (MANE Select); coding-DNA position 1291, C replaced by G.
Protein change: p.Pro431Ala; replaces proline 431 with alanine.
Molecular consequence: missense variant.
Genome position (GRCh38, 1-based): chr19:45,357,646, G>C on the plus strand (C>G on the coding strand, the complement: ERCC2 is on the minus strand). VCF-style: chr19-45357646-G-C. GRCh37 (hg19) VCF-style: chr19-45860904-G-C.
Other names: short protein forms P431A.
Identifiers: ClinVar variation 1769108 (VCV001769108.3), dbSNP rs2514013925, ClinGen allele CA406367982.
Genomic context (GRCh38, chr19:45,357,646, plus strand): 5'-CCCGACCCACAGAGCATTCACACCCTCACCGGGCAGGGTCCCACCTGAAGTGCAGGATGG[G>C]GTTGGCAATGGTCGGGGTTCTGTCGTCAAAGGGCTCGATGATGATGGTGAAGCCTGCAGA-3'
Protein context (NP_000391.1, residues 421-441): FDDRTPTIAN[Pro431Ala]ILHFSCMDAS